The following is an entry in ClinVar:

ClinVar aggregate classification (germline): Uncertain significance (1 of 4 stars; one submission).

Submission:

Labcorp Genetics (formerly Invitae), Labcorp
Classification: Uncertain significance. Last evaluated: 2022-11-28. Review status: criteria provided, single submitter. Criteria: Invitae Variant Classification Sherloc (09022015). Collection method: clinical testing. Allele origin: germline.
Comment: This sequence change replaces tyrosine, which is neutral and polar, with cysteine, which is neutral and slightly polar, at codon 165 of the GFM1 protein (p.Tyr165Cys). This variant is not present in population databases (gnomAD no frequency). This variant has not been reported in the literature in individuals affected with GFM1-related conditions. Advanced modeling of protein sequence and biophysical properties (such as structural, functional, and spatial information, amino acid conservation, physicochemical variation, residue mobility, and thermodynamic stability) has been performed at Invitae for this missense variant, however the output from this modeling did not meet the statistical confidence thresholds required to predict the impact of this variant on GFM1 protein function. In summary, the available evidence is currently insufficient to determine the role of this variant in disease. Therefore, it has been classified as a Variant of Uncertain Significance.

NM_024996.7(GFM1):c.494A>G (p.Tyr165Cys)

Gene: GFM1 (G elongation factor mitochondrial 1; plus strand). Cytogenetic location: 3q25.32.
Variant type: single nucleotide variant.
Coding change: c.494A>G on transcript NM_024996.7 (MANE Select); coding-DNA position 494, A replaced by G.
Protein change: p.Tyr165Cys; replaces tyrosine 165 with cysteine.
Molecular consequence: missense variant. On other transcripts: non-coding transcript variant (3), intron variant (4).
Genome position (GRCh38, 1-based): chr3:158,646,869, A>G. VCF-style: chr3-158646869-A-G. GRCh37 (hg19) VCF-style: chr3-158364658-A-G.
Other names: c.494A>G, p.Tyr165Cys (NM_001308164.2, NM_001308166.2, NM_001374355.1 and 1 more transcripts); c.269A>G, p.Tyr90Cys (NM_001374357.1); c.5+1088A>G (NM_001374359.1, NM_001374360.1, NM_001374361.1); c.234+1088A>G (NM_001374358.1); short protein forms Y165C, Y90C.
Identifiers: ClinVar variation 2816547 (VCV002816547.3), dbSNP rs764479679, ClinGen allele CA355175991.